The following is an entry in ClinVar:

ClinVar aggregate classification (germline): Likely pathogenic (1 of 4 stars; one submission).

Conditions:
Hereditary spastic paraplegia 49 (HSAN9). Also called: TECPR2-Related Hereditary Sensory and Autonomic Neuropathy with Intellectual Disability; NEUROPATHY, HEREDITARY SENSORY AND AUTONOMIC, TYPE IX, WITH DEVELOPMENTAL DELAY; Spastic paraplegia 49, autosomal recessive. Identifiers: Orphanet 320385, MedGen C5190860, MONDO:0014016, OMIM 615031.

Submission:

Myriad Genetics, Inc.
Classification: Likely pathogenic for Hereditary spastic paraplegia 49. Last evaluated: 2026-03-25. Review status: criteria provided, single submitter. Criteria: Myriad Autosomal Dominant, Autosomal Recessive and X-Linked Classification Criteria (2023). Collection method: clinical testing. Allele origin: unknown.
Comment: NM_014844.3(TECPR2):c.638+1G>T is a variant in a canonical splice site classified as likely pathogenic in the context of spastic paraplegia, TECPR2-related. c.638+1G>T has not been observed in cases with relevant disease. Relevant functional assessments of this variant are not available in the literature. c.638+1G>T has not been observed in referenced population frequency databases. In summary, NM_014844.3(TECPR2):c.638+1G>T is a variant in a canonical splice site in a gene where loss of function is a known mechanism of disease and is predicted to disrupt protein function. Please note: this variant was assessed in the context of healthy population screening.

NM_014844.5(TECPR2):c.638+1G>T

Gene: TECPR2 (tectonin beta-propeller repeat containing 2; plus strand). Cytogenetic location: 14q32.31.
Variant type: single nucleotide variant.
Coding change: c.638+1G>T on transcript NM_014844.5 (MANE Select); the canonical splice donor site of the intron after coding-DNA position 638, G replaced by T.
Molecular consequence: splice donor variant.
Genome position (GRCh38, 1-based): chr14:102,414,794, G>T. VCF-style: chr14-102414794-G-T. GRCh37 (hg19) VCF-style: chr14-102881131-G-T.
Other names: c.638+1G>T (NM_001172631.3).
Identifiers: ClinVar variation 5003719 (VCV005003719.1).